The following is an entry in ClinVar:

NM_172107.4(KCNQ2):c.312C>G (p.Phe104Leu)

Gene: KCNQ2 (potassium voltage-gated channel subfamily Q member 2; minus strand). Cytogenetic location: 20q13.33.
Variant type: single nucleotide variant.
Coding change: c.312C>G on transcript NM_172107.4 (MANE Select); coding-DNA position 312, C replaced by G.
Protein change: p.Phe104Leu; replaces phenylalanine 104 with leucine.
Molecular consequence: missense variant.
Genome position (GRCh38, 1-based): chr20:63,446,822, G>C on the plus strand (C>G on the coding strand, the complement: KCNQ2 is on the minus strand). VCF-style: chr20-63446822-G-C. GRCh37 (hg19) VCF-style: chr20-62078175-G-C.
Other names: c.312C>G, p.Phe104Leu (NM_001382235.1, NM_004518.6, NM_172106.3 and 2 more transcripts); short protein forms F104L.
Identifiers: ClinVar variation 2573138 (VCV002573138.3), dbSNP rs771809196, ClinGen allele CA9958860.

Conditions:
Complex neurodevelopmental disorder. Identifiers: Orphanet 528084, MedGen C5568766, MONDO:0100038.

Allele frequency attached by ClinVar (database versions not stated): gnomAD exomes below 0.00001; ExAC 0.00001.
gnomAD v4.1: 4 of 1,613,560 alleles (0.00025%); highest among the groups gnomAD compares: South Asian, 0.0044%; no homozygotes.

Submissions (6):

Channelopathy-Associated Epilepsy Research Center
No classification provided (evidence only). Condition: Complex neurodevelopmental disorder. Review status: no classification provided. Collection method: literature only. Allele origin: not applicable. Functional consequence: Mild decrease in peak current, Mild slowing of activation, Mild hyperpolarizing shift of voltage dependence of activation, Mild depolarizing shift of voltage dependence of activation.
ClinVar note: "not provided" was previously submitted as the classification for the variant. However, the classification appeared to be based only on an observation of functional data so it was converted to no classification on 2025-07-30.

Channelopathy-Associated Epilepsy Research Center
No classification provided (evidence only). Review status: no classification provided. Collection method: in vitro. Allele origin: not applicable. Functional consequence: Normal peak current. Not counted in ClinVar's aggregate classification.

Channelopathy-Associated Epilepsy Research Center
No classification provided (evidence only). Review status: no classification provided. Collection method: in vitro. Allele origin: not applicable. Functional consequence: Normal peak current. Not counted in ClinVar's aggregate classification.

Channelopathy-Associated Epilepsy Research Center
No classification provided (evidence only). Review status: no classification provided. Collection method: in vitro. Allele origin: not applicable. Functional consequence: Hyperpolarizing shift of voltage dependence of activation. Not counted in ClinVar's aggregate classification.

Channelopathy-Associated Epilepsy Research Center
No classification provided (evidence only). Review status: no classification provided. Collection method: in vitro. Allele origin: not applicable. Functional consequence: Normal slope of activation. Not counted in ClinVar's aggregate classification.

Channelopathy-Associated Epilepsy Research Center
No classification provided (evidence only). Review status: no classification provided. Collection method: in vitro. Allele origin: not applicable. Functional consequence: Normal rate of activation. Not counted in ClinVar's aggregate classification.

Literature cited by the submitters: PubMed 35104249.